The following is an entry in ClinVar:

ClinVar aggregate classification (germline): Conflicting classifications of pathogenicity. Review status: criteria provided, conflicting classifications (1 of 4 stars). 12 submissions from 12 submitters: Uncertain significance (8); Likely benign (2). 2 of the submissions do not count toward it. Last evaluated 2026-06-01.

Conditions:
Hereditary cancer-predisposing syndrome. Also called: Tumor predisposition; Neoplastic Syndromes, Hereditary; Hereditary Cancer Syndrome; Hereditary neoplastic syndrome. Identifiers: Orphanet 140162, MedGen C0027672, MeSH D009386, MONDO:0015356.
BRCA1-related cancer predisposition. Identifiers: MedGen CN377757, MONDO:0700268.
Hereditary breast ovarian cancer syndrome. Also called: Hereditary breast and ovarian cancer syndrome (HBOC); Hereditary breast and ovarian cancer syndrome; Hereditary breast and ovarian cancer; Hereditary breast and/or ovarian cancer syndrome; Breast and ovarian cancer; BRCA1- and BRCA2-Associated Hereditary Breast and Ovarian Cancer. Identifiers: Orphanet 145, MedGen C0677776, MeSH D061325, MONDO:0003582. Disease mechanism: loss of function.
Breast-ovarian cancer, familial, susceptibility to, 1 (BROVCA1). Also called: OVARIAN CANCER, SUSCEPTIBILITY TO; BRCA1 Hereditary Breast and Ovarian Cancer. Identifiers: Orphanet 145, MedGen C2676676, MONDO:0011450, OMIM 604370. Disease mechanism: loss of function.

Allele frequency attached by ClinVar (database versions not stated): TOPMed below 0.00001; gnomAD 0.00001.
gnomAD v4.1: 6 of 1,613,878 alleles (0.00037%); highest among the groups gnomAD compares: Non-Finnish European, 0.00051%; no homozygotes.

Submissions (12):

Myriad Genetics, Inc.
Classification: Likely benign for Breast-ovarian cancer, familial, susceptibility to, 1. Last evaluated: 2026-06-01. Review status: criteria provided, single submitter. Criteria: Myriad Autosomal Dominant, Autosomal Recessive and X-Linked Classification Criteria (2023). Collection method: clinical testing. Allele origin: unknown.
Comment: This variant is considered likely benign. This variant is strongly associated with less severe personal and family histories of cancer, typical for individuals without pathogenic variants in this gene [PMID: 25085752].

Labcorp Genetics (formerly Invitae), Labcorp
Classification: Uncertain significance for Hereditary breast ovarian cancer syndrome. Last evaluated: 2024-10-27. Review status: criteria provided, single submitter. Criteria: Invitae Variant Classification Sherloc (09022015). Collection method: clinical testing. Allele origin: germline.
Comment: This sequence change replaces serine, which is neutral and polar, with cysteine, which is neutral and slightly polar, at codon 741 of the BRCA1 protein (p.Ser741Cys). This variant is present in population databases (rs80357051, gnomAD 0.0009%). This missense change has been observed in individual(s) with clinical features of BRCA1-related conditions (PMID: 10923033). ClinVar contains an entry for this variant (Variation ID: 54506). Invitae Evidence Modeling of protein sequence and biophysical properties (such as structural, functional, and spatial information, amino acid conservation, physicochemical variation, residue mobility, and thermodynamic stability) indicates that this missense variant is not expected to disrupt BRCA1 protein function with a negative predictive value of 80%. In summary, the available evidence is currently insufficient to determine the role of this variant in disease. Therefore, it has been classified as a Variant of Uncertain Significance.

Quest Diagnostics Nichols Institute San Juan Capistrano
Classification: Uncertain significance. Last evaluated: 2024-09-28. Review status: criteria provided, single submitter. Criteria: Quest Diagnostics criteria. Collection method: clinical testing. Allele origin: unknown.
Comment: The BRCA1 c.2222C>G (p.Ser741Cys) variant has been reported in the published literature in a reportedly healthy individual (PMID: 33471991 (2021), see also LOVD), and described to be located in a region of the BRCA1 gene that is tolerant to missense sequence changes (PMID: 31911673 (2020)). The frequency of this variant in the general population, 0.0000088 (1/113518 chromosomes (Genome Aggregation Database)), is uninformative in the assessment of its pathogenicity. Analysis of this variant using bioinformatics tools for the prediction of the effect of amino acid changes on protein structure and function yielded conflicting predictions that this variant is benign or damaging. Based on the available information, we are unable to determine the clinical significance of this variant.

All of Us Research Program, National Institutes of Health
Classification: Uncertain significance for BRCA1-related cancer predisposition. Last evaluated: 2024-08-06. Review status: criteria provided, single submitter. Criteria: ACMG Guidelines, 2015. Collection method: clinical testing. Allele origin: germline. Inheritance: Autosomal dominant inheritance. Observed: 4 variant alleles, 4 heterozygotes.
Comment: This missense variant replaces serine with cysteine at codon 741 of the BRCA1 protein. Computational prediction suggests that this variant may not impact protein structure and function (internally defined REVEL score threshold <= 0.5, PMID: 27666373). To our knowledge, functional studies have not been reported for this variant. This variant has been detected in a breast cancer case-control meta-analysis in 0/60466 cases and 2/53461 unaffected individuals (PMID: 33471991; Leiden Open Variation Database DB-ID BRCA1_000191). A multifactorial analysis has reported likelihood ratios for pathogenicity based on co-occurrence with a pathogenic variant and family history of 1.0331 and 1,6879, respectively (PMID: 31131967). This variant has been identified in 1/251070 chromosomes in the general population by the Genome Aggregation Database (gnomAD). The available evidence is insufficient to determine the role of this variant in disease conclusively. Therefore, this variant is classified as a Variant of Uncertain Significance.

This study involves interpretation of variants in research participants for the purpose of population health screening. Participant phenotype was not available at the time of variant classification. Additional details can be found in publication PMID: 35346344, PMCID: PMC8962531

Ambry Genetics
Classification: Uncertain significance for Hereditary cancer-predisposing syndrome. Last evaluated: 2024-05-27. Review status: criteria provided, single submitter. Criteria: Ambry Variant Classification Scheme 2023. Collection method: clinical testing. Allele origin: germline.
Comment: The p.S741C variant (also known as c.2222C>G), located in coding exon 9 of the BRCA1 gene, results from a C to G substitution at nucleotide position 2222. The serine at codon 741 is replaced by cysteine, an amino acid with dissimilar properties. This amino acid position is well conserved in available vertebrate species. In addition, the in silico prediction for this alteration is inconclusive. Based on the available evidence, the clinical significance of this variant remains unclear.

Color Diagnostics, LLC DBA Color Health
Classification: Uncertain significance for Hereditary cancer-predisposing syndrome. Last evaluated: 2023-11-29. Review status: criteria provided, single submitter. Criteria: ACMG Guidelines, 2015. Collection method: clinical testing. Allele origin: germline.
Comment: This missense variant replaces serine with cysteine at codon 741 of the BRCA1 protein. Computational prediction suggests that this variant may not impact protein structure and function (internally defined REVEL score threshold <= 0.5, PMID: 27666373). To our knowledge, functional studies have not been reported for this variant. This variant has been detected in a breast cancer case-control meta-analysis in 0/60466 cases and 2/53461 unaffected individuals (PMID: 33471991; Leiden Open Variation Database DB-ID BRCA1_000191). A multifactorial analysis has reported likelihood ratios for pathogenicity based on co-occurrence with a pathogenic variant and family history of 1.0331 and 1,6879, respectively (PMID: 31131967). This variant has been identified in 1/251070 chromosomes in the general population by the Genome Aggregation Database (gnomAD). The available evidence is insufficient to determine the role of this variant in disease conclusively. Therefore, this variant is classified as a Variant of Uncertain Significance.

University of Washington Department of Laboratory Medicine, University of Washington
Classification: Likely benign for Hereditary cancer-predisposing syndrome. Last evaluated: 2023-03-23. Review status: criteria provided, single submitter. Criteria: Dines et al. (Genet Med. 2020). Collection method: curation. Allele origin: germline.
Comment: Missense variant in a coldspot region where missense variants are very unlikely to be pathogenic (PMID:31911673).

BRCA1 coldspot (exon 11 using historical exon numbering). Reclassification based on statistical prior probability

Women's Health and Genetics/Laboratory Corporation of America, LabCorp
Classification: Uncertain significance. Last evaluated: 2023-01-25. Review status: criteria provided, single submitter. Criteria: LabCorp Variant Classification Summary - May 2015. Collection method: clinical testing. Allele origin: germline.
Comment: Variant summary: BRCA1 c.2222C>G (p.Ser741Cys) results in a non-conservative amino acid change in the encoded protein sequence. Three of five in-silico tools predict a benign effect of the variant on protein function. The variant allele was found at a frequency of 4e-06 in 251070 control chromosomes. The available data on variant occurrences in the general population are insufficient to allow any conclusion about variant significance. To our knowledge, no occurrence of c.2222C>G in individuals affected with Hereditary Breast And Ovarian Cancer Syndrome and no experimental evidence demonstrating its impact on protein function have been reported. Seven clinical diagnostic laboratories have submitted clinical-significance assessments for this variant to ClinVar after 2014 without evidence for independent evaluation. All laboratories classified the variant as uncertain significance. Based on the evidence outlined above, the variant was classified as uncertain significance.

ARUP Laboratories, Molecular Genetics and Genomics, ARUP Laboratories
Classification: Uncertain significance. Last evaluated: 2017-03-29. Review status: criteria provided, single submitter. Criteria: ARUP Molecular Germline Variant Investigation Process. Collection method: clinical testing. Allele origin: germline.

GeneDx
Classification: Uncertain significance. Last evaluated: 2015-05-13. Review status: criteria provided, single submitter. Criteria: GeneDx Variant Classification (06012015). Collection method: clinical testing. Allele origin: germline. Affected: yes.
Comment: This variant is denoted BRCA1 c.2222C>G at the cDNA level, p.Ser741Cys (S741C) at the protein level, and results in the change of a Serine to a Cysteine (TCT>TGT). Using alternate nomenclature, this variant would be defined as BRCA1 2341C>G. BRCA1 Ser741Cys was not observed in approximately 6,500 individuals of European and African American ancestry in the NHLBI Exome Sequencing Project, indicating it is not a common benign variant in these populations. Since Serine and Cysteine differ in polarity, charge, size or other properties, this is considered a non-conservative amino acid substitution. BRCA1 Ser741Cys occurs at a position that is not conserved and is located within the DNA binding domain (Narod 2004). Published evolutionary conservation analyses predicted that this variant may have an effect on protein function, while in silico analyses are inconsistent regarding the effect this variant may have on protein structure and function (Fleming 2003, Ramirez 2004, Burk-Herrick 2006). Based on currently available information, it is unclear whether BRCA1 Ser741Cys is pathogenic or benign. We consider it to be a variant of uncertain significance.

Counsyl
Classification: Uncertain significance for Breast-ovarian cancer, familial, susceptibility to, 1. Last evaluated: 2017-01-30. Review status: no assertion criteria provided. Collection method: clinical testing. Allele origin: unknown. Not counted in ClinVar's aggregate classification.

Breast Cancer Information Core (BIC) (BRCA1)
Classification: Uncertain significance for Breast-ovarian cancer, familial 1. Review status: no assertion criteria provided. Collection method: clinical testing. Allele origin: germline. Affected: yes. Observed: 1 variant allele. Not counted in ClinVar's aggregate classification.

Literature cited by the submitters: PubMed 25085752 (cited by Myriad Genetics, Inc.); PubMed 10923033 (cited by Labcorp Genetics (formerly Invitae), Labcorp); PubMed 12531920 (cited by Quest Diagnostics Nichols Institute San Juan Capistrano and Counsyl); PubMed 15385441 (cited by Quest Diagnostics Nichols Institute San Juan Capistrano); PubMed 33471991 (cited by 3 submitters); PubMed 31911673 (cited by Quest Diagnostics Nichols Institute San Juan Capistrano); PubMed 31131967 (cited by 3 submitters); PubMed 16518693 (cited by Quest Diagnostics Nichols Institute San Juan Capistrano and Counsyl).

NM_007294.4(BRCA1):c.2222C>G (p.Ser741Cys)

Gene: BRCA1 (BRCA1 DNA repair associated; minus strand). Cytogenetic location: 17q21.31.
Variant type: single nucleotide variant.
Coding change: c.2222C>G on transcript NM_007294.4 (MANE Select); coding-DNA position 2222, C replaced by G.
Protein change: p.Ser741Cys; replaces serine 741 with cysteine.
Molecular consequence: missense variant. On other transcripts: intron variant (137).
Genome position (GRCh38, 1-based): chr17:43,093,309, G>C on the plus strand (C>G on the coding strand, the complement: BRCA1 is on the minus strand). VCF-style: chr17-43093309-G-C. GRCh37 (hg19) VCF-style: chr17-41245326-G-C.
Other names: c.787+1435C>G (NM_001407971.1, NM_001407981.1, NM_007298.4 and 17 more transcripts); c.790+1432C>G (NM_001408406.1); c.646+1435C>G (NM_001408456.1, NM_001408410.1, NM_001408458.1 and 11 more transcripts); c.643+1435C>G (NM_001408465.1, NM_001408463.1, NM_001408462.1 and 3 more transcripts); c.577+1435C>G (NM_001408482.1, NM_001408484.1, NM_001408478.1 and 9 more transcripts); c.520+1435C>G (NM_001408504.1, NM_001408503.1, NM_001408505.1); c.523+1435C>G (NM_001408499.1, NM_001408498.1, NM_001408501.1 and 3 more transcripts); c.671-2277C>G (NM_001408422.1, NM_001408418.1, NM_001408423.1 and 2 more transcripts); and 41 more; short protein forms S741C, S694C, S613C, S614C, S671C, S674C, S715C, S573C.
Identifiers: ClinVar variation 54506 (VCV000054506.42), dbSNP rs80357051, ClinGen allele CA001490.